The following is an entry in ClinVar:

NM_016222.4(DDX41):c.1856C>T (p.Ser619Phe)

Gene: DDX41 (DEAD-box helicase 41; minus strand). Cytogenetic location: 5q35.3.
Variant type: single nucleotide variant.
Coding change: c.1856C>T on transcript NM_016222.4 (MANE Select); coding-DNA position 1856, C replaced by T.
Protein change: p.Ser619Phe; replaces serine 619 with phenylalanine.
Molecular consequence: missense variant.
Genome position (GRCh38, 1-based): chr5:177,511,804, G>A on the plus strand (C>T on the coding strand, the complement: DDX41 is on the minus strand). VCF-style: chr5-177511804-G-A. GRCh37 (hg19) VCF-style: chr5-176938805-G-A.
Other names: c.1478C>T, p.Ser493Phe (NM_001321732.2, NM_001321830.2); short protein forms S619F, S493F.
Identifiers: ClinVar variation 4617125 (VCV004617125.1).

ClinVar aggregate classification (germline): Uncertain significance (1 of 4 stars; one submission).

Conditions:
Inborn genetic diseases. Identifiers: MedGen C0950123, MeSH D030342.

Submission:

Ambry Genetics
Classification: Uncertain significance for Inborn genetic diseases. Last evaluated: 2025-09-19. Review status: criteria provided, single submitter. Criteria: Ambry Variant Classification Scheme 2023. Collection method: clinical testing. Allele origin: germline.
Comment: The p.S619F variant (also known as c.1856C>T), located in coding exon 17 of the DDX41 gene, results from a C to T substitution at nucleotide position 1856. The serine at codon 619 is replaced by phenylalanine, an amino acid with highly dissimilar properties. This amino acid position is conserved. In addition, the in silico prediction for this alteration is inconclusive. Based on the available evidence, the clinical significance of this variant remains unclear.